The following is an entry in ClinVar:

ClinVar aggregate classification (germline): Uncertain significance (1 of 4 stars; one submission).

Conditions:
Inborn genetic diseases. Identifiers: MedGen C0950123, MeSH D030342.

gnomAD v4.1: 2 of 1,610,806 alleles (0.00012%); highest among the groups gnomAD compares: Non-Finnish European, 0.00017%; no homozygotes.

Submission:

Ambry Genetics
Classification: Uncertain significance for Inborn genetic diseases. Last evaluated: 2025-12-15. Review status: criteria provided, single submitter. Criteria: Ambry Variant Classification Scheme 2023. Collection method: clinical testing. Allele origin: germline.
Comment: The c.890A>C (p.Q297P) alteration is located in exon 6 (coding exon 6) of the GLI2 gene. This alteration results from a A to C substitution at nucleotide position 890, causing the glutamine (Q) at amino acid position 297 to be replaced by a proline (P). Based on data from gnomAD, the C allele has an overall frequency of <0.001% (1/251284) total alleles studied. The highest observed frequency was 0.006% (1/16254) of African alleles. Based on insufficient or conflicting evidence, the clinical significance of this alteration remains unclear.

NM_001374353.1(GLI2):c.890A>C (p.Gln297Pro)

Gene: GLI2 (GLI family zinc finger 2; plus strand). Cytogenetic location: 2q14.2.
Variant type: single nucleotide variant.
Coding change: c.890A>C on transcript NM_001374353.1 (MANE Select); coding-DNA position 890, A replaced by C.
Protein change: p.Gln297Pro; replaces glutamine 297 with proline.
Molecular consequence: missense variant.
Genome position (GRCh38, 1-based): chr2:120,970,437, A>C. VCF-style: chr2-120970437-A-C. GRCh37 (hg19) VCF-style: chr2-121728013-A-C.
Other names: c.890A>C, p.Gln297Pro (NM_001371271.1, NM_005270.5); c.515A>C, p.Gln172Pro (NM_001374354.1); short protein forms Q172P, Q297P.
Identifiers: ClinVar variation 4837072 (VCV004837072.1).